The following is an entry in ClinVar:

ClinVar aggregate classification (germline): Pathogenic. Review status: reviewed by expert panel (3 of 4 stars). 2 submissions from 2 submitters: Pathogenic (1). 1 of the submissions does not count toward it. Last evaluated 2016-09-08.

Conditions:
Breast-ovarian cancer, familial, susceptibility to, 2 (BROVCA2). Also called: BRCA2 Hereditary Breast and Ovarian Cancer. Identifiers: Orphanet 145, MedGen C2675520, MONDO:0012933, OMIM 612555. Disease mechanism: loss of function.

Submissions (2):

Evidence-based Network for the Interpretation of Germline Mutant Alleles (ENIGMA)
Classification: Pathogenic for Breast-ovarian cancer, familial, susceptibility to, 2. Last evaluated: 2016-09-08. Review status: reviewed by expert panel. Criteria: ENIGMA BRCA1/2 Classification Criteria (2015). Collection method: curation. Allele origin: germline.
Comment: Variant allele predicted to encode a truncated non-functional protein.

Breast Cancer Information Core (BIC) (BRCA2)
Classification: Pathogenic for Breast-ovarian cancer, familial 2. Last evaluated: 2004-02-20. Review status: no assertion criteria provided. Collection method: clinical testing. Allele origin: germline, unknown. Affected: yes. Observed: 2 variant alleles. Not counted in ClinVar's aggregate classification.

NM_000059.4(BRCA2):c.901dup (p.Asp301fs)

Gene: BRCA2 (BRCA2 DNA repair associated; plus strand). Cytogenetic location: 13q13.1.
Variant type: Duplication.
Coding change: c.901dup on transcript NM_000059.4 (MANE Select); coding-DNA position 901, one base duplicated (G; older notation c.901dupG).
Protein change: p.Asp301fs; shifts the reading frame from aspartic acid 301.
Molecular consequence: frameshift variant.
Genome position (GRCh38, 1-based): chr13:32,332,379, G duplicated. VCF-style (leftmost placement, unchanged base first): chr13-32332378-A-AG. GRCh37 (hg19) VCF-style: chr13-32906515-A-AG.
Other names: 1128insG; c.901dupG (NM_000059.3); short protein forms D301fs.
Identifiers: ClinVar variation 52730 (VCV000052730.4), dbSNP rs80359738, ClinGen allele CA025923.
Genomic context (GRCh38, chr13:32,332,378, plus strand): 5'-AGACCACATTGGAAAGTCAATGCCAAATGTCCTAGAAGATGAAGTATATGAAACAGTTGT[A>AG]GATACCTCTGAAGAAGATAGTTTTTCATTATGTTTTTCTAAATGTAGAACAAAAAATCTA-3'